The following is an entry in ClinVar:

NM_000341.4(SLC3A1):c.1149T>C (p.Thr383=)

Gene: SLC3A1 (solute carrier family 3 member 1; plus strand). Cytogenetic location: 2p21.
Variant type: single nucleotide variant.
Coding change: c.1149T>C on transcript NM_000341.4 (MANE Select); coding-DNA position 1149, T replaced by C.
Protein change: p.Thr383=; no amino-acid change (threonine 383 retained).
Molecular consequence: synonymous variant.
Genome position (GRCh38, 1-based): chr2:44,304,155, T>C. VCF-style: chr2-44304155-T-C. GRCh37 (hg19) VCF-style: chr2-44531294-T-C.
Other names: c.1149T>C (NM_000341.3).
Identifiers: ClinVar variation 2077666 (VCV002077666.6), dbSNP rs369948288, ClinGen allele CA1640466.
Genomic context (GRCh38, chr2:44,304,155, plus strand): 5'-AGTCTTCTGACAGGCCCCGATGACACTGAACCTTGTCAACTCTTATAGGTTCATGGGGAC[T>C]GAAGCCTATGCAGAGAGTATTGACAGGACCGTGATGTACTATGGATTGCCATTTATCCAA-3'
Protein context (NP_000332.2, residues 373-393): TEPGRYRFMG[Thr383=]EAYAESIDRT

ClinVar aggregate classification (germline): Benign/Likely benign. Review status: criteria provided, multiple submitters, no conflicts (2 of 4 stars). 3 submissions from 3 submitters: Benign (1); Likely benign (2). Last evaluated 2025-10-23.

Conditions:
SLC3A1-related disorder. Also called: SLC3A1-related condition.
Cystinuria (CSNU). Also called: CYSTINURIA, TYPE I; CYSTINURIA, TYPE II; CYSTINURIA, TYPE III; Cystinuria, non-type I. Identifiers: Orphanet 214, MedGen C0010691, MONDO:0009067, OMIM 220100, HP:0003131.

Allele frequency attached by ClinVar (database versions not stated): TOPMed 0.00005; gnomAD 0.00008; ExAC 0.00018; 1000 Genomes Project 30x 0.00062; 1000 Genomes Project 0.00080.

Submissions (3):

Labcorp Genetics (formerly Invitae), Labcorp
Classification: Benign for Cystinuria. Last evaluated: 2025-10-23. Review status: criteria provided, single submitter. Criteria: Invitae Variant Classification Sherloc (09022015). Collection method: clinical testing. Allele origin: germline.

PreventionGenetics, part of Exact Sciences
Classification: Likely benign for SLC3A1-related condition. Last evaluated: 2025-07-01. Review status: criteria provided, single submitter. Criteria: ACMG Guidelines, 2015. Collection method: clinical testing. Allele origin: germline.
Comment: This variant is classified as likely benign based on ACMG/AMP sequence variant interpretation guidelines (Richards et al. 2015 PMID: 25741868, with internal and published modifications).

Blueprint Genetics
Classification: Likely benign. Last evaluated: 2023-08-14. Review status: criteria provided, single submitter. Criteria: ACMG Guidelines, 2015. Collection method: clinical testing. Allele origin: germline.